The following is an entry in ClinVar:

NM_017739.4(POMGNT1):c.1151C>T (p.Pro384Leu)

Genes: POMGNT1 (protein O-linked mannose N-acetylglucosaminyltransferase 1 (beta 1,2-); minus strand), TSPAN1 (tetraspanin 1; plus strand). Cytogenetic location: 1p34.1.
Variant type: single nucleotide variant.
Coding change: c.1151C>T on transcript NM_017739.4 (MANE Select); coding-DNA position 1151, C replaced by T.
Protein change: p.Pro384Leu; replaces proline 384 with leucine.
Molecular consequence: missense variant.
Genome position (GRCh38, 1-based): chr1:46,193,175, G>A on the plus strand (C>T on the coding strand, the complement: POMGNT1 is on the minus strand). VCF-style: chr1-46193175-G-A. GRCh37 (hg19) VCF-style: chr1-46658847-G-A.
Other names: c.722C>T, p.Pro241Leu (NM_001290130.2); c.1151C>T, p.Pro384Leu (NM_001410783.1, NM_001243766.2); c.1085C>T, p.Pro362Leu (NM_001290129.3); short protein forms P241L, P362L, P384L.
Identifiers: ClinVar variation 842013 (VCV000842013.8), dbSNP rs375845761, ClinGen allele CA833478.

ClinVar aggregate classification (germline): Uncertain significance. Review status: criteria provided, multiple submitters, no conflicts (2 of 4 stars). 4 submissions from 4 submitters: Uncertain significance (3). 1 of the submissions does not count toward it. Last evaluated 2025-04-03.

Conditions:
Autosomal recessive limb-girdle muscular dystrophy type 2O. Also called: MUSCULAR DYSTROPHY-DYSTROGLYCANOPATHY (LIMB-GIRDLE), TYPE C, 3; MUSCULAR DYSTROPHY-DYSTROGLYCANOPATHY, LIMB-GIRDLE, POMGNT1-RELATED; Limb-Girdle Muscular Dystrophy Type 3C. Identifiers: Orphanet 206564, MedGen C3150417, MONDO:0013161, OMIM 613157.
Muscular dystrophy-dystroglycanopathy (congenital with impaired intellectual development), type B, 3. Also called: MUSCULAR DYSTROPHY, CONGENITAL, POMGNT1-RELATED; Muscular dystrophy-dystroglycanopathy (congenital with intellectual disability), type B3. Identifiers: MedGen C3150412, MONDO:0013155, OMIM 613151.
Muscle eye brain disease (MEB). Also called: Santavuori congenital muscular dystrophy. Identifiers: Orphanet 588, Orphanet 899, MedGen C0457133, MONDO:0018939.

Allele frequency attached by ClinVar (database versions not stated): TOPMed 0.00002; gnomAD 0.00001.
gnomAD v4.1: 10 of 1,614,020 alleles (0.00062%); highest among the groups gnomAD compares: Admixed American, 0.0017%; no homozygotes.

Submissions (4):

Revvity Omics, Revvity
Classification: Uncertain significance. Last evaluated: 2025-04-03. Review status: criteria provided, single submitter. Criteria: ACMG Guidelines, 2015. Collection method: clinical testing. Allele origin: germline.

Blueprint Genetics
Classification: Uncertain significance. Last evaluated: 2021-11-13. Review status: criteria provided, single submitter. Criteria: ACMG Guidelines, 2015. Collection method: clinical testing. Allele origin: germline.

Labcorp Genetics (formerly Invitae), Labcorp
Classification: Uncertain significance for Autosomal recessive limb-girdle muscular dystrophy type 2O; Muscular dystrophy-dystroglycanopathy (congenital with impaired intellectual development), type B, 3. Last evaluated: 2021-09-08. Review status: criteria provided, single submitter. Criteria: Invitae Variant Classification Sherloc (09022015). Collection method: clinical testing. Allele origin: germline.
Comment: This sequence change replaces proline with leucine at codon 384 of the POMGNT1 protein (p.Pro384Leu). The proline residue is highly conserved and there is a moderate physicochemical difference between proline and leucine. This variant is present in population databases (rs375845761, ExAC 0.006%). This variant has not been reported in the literature in individuals affected with POMGNT1-related conditions. Algorithms developed to predict the effect of missense changes on protein structure and function (SIFT, PolyPhen-2, Align-GVGD) all suggest that this variant is likely to be disruptive. In summary, the available evidence is currently insufficient to determine the role of this variant in disease. Therefore, it has been classified as a Variant of Uncertain Significance.

Natera, Inc.
Classification: Uncertain significance for Muscle-eye-brain disease. Last evaluated: 2021-03-23. Review status: no assertion criteria provided. Collection method: clinical testing. Allele origin: germline. Not counted in ClinVar's aggregate classification.